The following is an entry in ClinVar:

ClinVar aggregate classification (germline): Uncertain significance (1 of 4 stars; one submission).

Submission:

Labcorp Genetics (formerly Invitae), Labcorp
Classification: Uncertain significance. Last evaluated: 2025-05-23. Review status: criteria provided, single submitter. Criteria: Invitae Variant Classification Sherloc (09022015). Collection method: clinical testing. Allele origin: germline.
Comment: This sequence change replaces glycine, which is neutral and non-polar, with glutamic acid, which is acidic and polar, at codon 430 of the COL4A3 protein (p.Gly430Glu). This variant is not present in population databases (gnomAD no frequency). This variant has not been reported in the literature in individuals affected with COL4A3-related conditions. Invitae Evidence Modeling of protein sequence and biophysical properties (such as structural, functional, and spatial information, amino acid conservation, physicochemical variation, residue mobility, and thermodynamic stability) has been performed for this missense variant. However, the output from this modeling did not meet the statistical confidence thresholds required to predict the impact of this variant on COL4A3 protein function. In summary, the available evidence is currently insufficient to determine the role of this variant in disease. Therefore, it has been classified as a Variant of Uncertain Significance.

NM_000091.5(COL4A3):c.1289G>A (p.Gly430Glu)

Genes: COL4A3 (collagen type IV alpha 3 chain; plus strand), MFF-DT (MFF divergent transcript; minus strand). Cytogenetic location: 2q36.3.
Variant type: single nucleotide variant.
Coding change: c.1289G>A on transcript NM_000091.5 (MANE Select); coding-DNA position 1289, G replaced by A.
Protein change: p.Gly430Glu; replaces glycine 430 with glutamic acid.
Molecular consequence: missense variant.
Genome position (GRCh38, 1-based): chr2:227,263,918, G>A. VCF-style: chr2-227263918-G-A. GRCh37 (hg19) VCF-style: chr2-228128634-G-A.
Other names: short protein forms G430E.
Identifiers: ClinVar variation 4780482 (VCV004780482.1).
Genomic context (GRCh38, chr2:227,263,918, plus strand): 5'-GAAAGGATGCCATGGGGACTCCTGGGTCCCCAGGTTGTGCTGGTTCACCAGGTCTTCCAG[G>A]ATCACCGGGACCTCCAGGACCGCCAGGTAAAGATGTGGAAGGGGACCCCTTTTGTGCACA-3'
Protein context (NP_000082.2, residues 420-440): PGCAGSPGLP[Gly430Glu]SPGPPGPPGD